The following is an entry in ClinVar:

NM_006846.4(SPINK5):c.2612G>A (p.Arg871Gln)

Gene: SPINK5 (serine peptidase inhibitor Kazal type 5; plus strand). Cytogenetic location: 5q32.
Variant type: single nucleotide variant.
Coding change: c.2612G>A on transcript NM_006846.4 (MANE Select); coding-DNA position 2612, G replaced by A.
Protein change: p.Arg871Gln; replaces arginine 871 with glutamine.
Molecular consequence: missense variant.
Genome position (GRCh38, 1-based): chr5:148,123,906, G>A. VCF-style: chr5-148123906-G-A. GRCh37 (hg19) VCF-style: chr5-147503469-G-A.
Other names: c.2612G>A, p.Arg871Gln (NM_001127698.2, NM_001127699.2); short protein forms R871Q.
Identifiers: ClinVar variation 2155574 (VCV002155574.2), dbSNP rs746572799, ClinGen allele CA3496044.

ClinVar aggregate classification (germline): Uncertain significance. Review status: criteria provided, multiple submitters, no conflicts (2 of 4 stars). 2 submissions from 2 submitters: Uncertain significance (2). Last evaluated 2026-01-12.

Conditions:
SPINK5-related disorder. Also called: SPINK5-related condition.
Netherton syndrome (NETH). Also called: ERYTHRODERMA, ICHTHYOSIFORM, WITH HYPOTRICHOSIS AND HYPER-IgE; COMEL-NETHERTON SYNDROME; NETHERTON DISEASE. Identifiers: Orphanet 634, MedGen C5574950, MONDO:0009735, OMIM 256500.

Allele frequency attached by ClinVar (database versions not stated): gnomAD exomes below 0.00001; ExAC 0.00001; TOPMed 0.00002; gnomAD 0.00003.
gnomAD v4.1: 10 of 1,613,828 alleles (0.00062%); highest among the groups gnomAD compares: African/African-American, 0.0013%; no homozygotes.

Submissions (2):

PreventionGenetics, part of Exact Sciences
Classification: Uncertain significance for SPINK5-related condition. Last evaluated: 2026-01-12. Review status: criteria provided, single submitter. Criteria: ACMG Guidelines, 2015. Collection method: clinical testing. Allele origin: germline.
Comment: The SPINK5 c.2612G>A variant is predicted to result in the amino acid substitution p.Arg871Gln. To our knowledge, this variant has not been reported in the literature. This variant is reported in 0.0039% of alleles in individuals of European (Non-Finnish) descent in gnomAD. At this time, the clinical significance of this variant is uncertain due to the absence of conclusive functional and genetic evidence.

Labcorp Genetics (formerly Invitae), Labcorp
Classification: Uncertain significance for Ichthyosis linearis circumflexa. Last evaluated: 2022-05-22. Review status: criteria provided, single submitter. Criteria: Invitae Variant Classification Sherloc (09022015). Collection method: clinical testing. Allele origin: germline.
Comment: This sequence change replaces arginine, which is basic and polar, with glutamine, which is neutral and polar, at codon 871 of the SPINK5 protein (p.Arg871Gln). This variant is present in population databases (rs746572799, gnomAD 0.003%). This variant has not been reported in the literature in individuals affected with SPINK5-related conditions. Algorithms developed to predict the effect of missense changes on protein structure and function output the following: SIFT: "Deleterious"; PolyPhen-2: "Benign"; Align-GVGD: "Class C0". The glutamine amino acid residue is found in multiple mammalian species, which suggests that this missense change does not adversely affect protein function. In summary, the available evidence is currently insufficient to determine the role of this variant in disease. Therefore, it has been classified as a Variant of Uncertain Significance.